The following is an entry in ClinVar:

ClinVar aggregate classification (germline): Pathogenic (1 of 4 stars; one submission).

Conditions:
Generalized epilepsy with febrile seizures plus, type 7 (GEFSP7). Also called: GEFS+, TYPE 7. Identifiers: Orphanet 36387, MedGen C2751778, MONDO:0013470, OMIM 613863.
Neuropathy, hereditary sensory and autonomic, type 2A (HSAN2A). Also called: ACROOSTEOLYSIS, NEUROGENIC; ACROOSTEOLYSIS, GIACCAI TYPE; MORVAN DISEASE; WNK1-Related HSAN2 (HSAN2A); NEUROPATHY, CONGENITAL SENSORY; NEUROPATHY, HEREDITARY SENSORY RADICULAR, AUTOSOMAL RECESSIVE. Identifiers: Orphanet 970, MedGen C2752089, MONDO:0024309, OMIM 201300.

Allele frequency attached by ClinVar (database versions not stated): gnomAD exomes below 0.00001; ExAC 0.00001; gnomAD 0.00001.

Submission:

Labcorp Genetics (formerly Invitae), Labcorp
Classification: Pathogenic for Neuropathy, hereditary sensory and autonomic, type 2A; Generalized epilepsy with febrile seizures plus, type 7. Last evaluated: 2025-04-29. Review status: criteria provided, single submitter. Criteria: Invitae Variant Classification Sherloc (09022015). Collection method: clinical testing. Allele origin: germline.
Comment: This sequence change creates a premature translational stop signal (p.Arg1599*) in the SCN9A gene. While this is not anticipated to result in nonsense mediated decay, it is expected to disrupt the last 379 amino acid(s) of the SCN9A protein. This variant is present in population databases (rs775654130, gnomAD 0.003%). This premature translational stop signal has been observed in individual(s) with congenital insensitivity to pain (PMID: 25439579). ClinVar contains an entry for this variant (Variation ID: 1448916). This variant disrupts a region of the SCN9A protein in which other variant(s) (p.Arg1608*) have been determined to be pathogenic (internal data). This suggests that this is a clinically significant region of the protein, and that variants that disrupt it are likely to be disease-causing. For these reasons, this variant has been classified as Pathogenic.

Literature cited by the submitters: PubMed 25439579.

NM_001365536.1(SCN9A):c.4828C>T (p.Arg1610Ter)

Genes: SCN9A (sodium voltage-gated channel alpha subunit 9; minus strand), SCN1A-AS1 (SCN1A and SCN9A antisense RNA 1; plus strand). Cytogenetic location: 2q24.3.
Variant type: single nucleotide variant.
Coding change: c.4828C>T on transcript NM_001365536.1 (MANE Select); coding-DNA position 4828, C replaced by T.
Protein change: p.Arg1610Ter; replaces arginine 1610 with a stop codon.
Molecular consequence: nonsense. On other transcripts: non-coding transcript variant (1).
Genome position (GRCh38, 1-based): chr2:166,199,811, G>A on the plus strand (C>T on the coding strand, the complement: SCN9A is on the minus strand). VCF-style: chr2-166199811-G-A. GRCh37 (hg19) VCF-style: chr2-167056321-G-A.
Other names: c.4795C>T, p.Arg1599Ter (NM_002977.4); short protein forms R1610*, R1599*.
Identifiers: ClinVar variation 1448916 (VCV001448916.6), dbSNP rs775654130, ClinGen allele CA1943769.